The following is an entry in ClinVar:

ClinVar aggregate classification (germline): Conflicting classifications of pathogenicity. Review status: criteria provided, conflicting classifications (1 of 4 stars). 10 submissions from 10 submitters: Uncertain significance (9); Likely benign (1). Last evaluated 2025-10-11.

Conditions:
Familial thoracic aortic aneurysm and aortic dissection (TAAD). Also called: Thoracic aortic aneurysms and dissections. Identifiers: Orphanet 91387, MedGen C4707243, MONDO:0019625.
Loeys-Dietz syndrome 2 (LDS2). Also called: Marfan syndrome, type 2 (formerly); AORTIC ANEURYSM, FAMILIAL THORACIC 3; MARFAN SYNDROME, TYPE II; Marfan Syndrome type 2; Marfan like connective tissue disorder; MFS 2. Identifiers: Orphanet 284973, Orphanet 558, MedGen C2674574, MONDO:0012427, OMIM 610168.

Allele frequency attached by ClinVar (database versions not stated): gnomAD 0.00003; gnomAD exomes 0.00004 and 0.00005; ExAC 0.00005; TOPMed 0.00007; ESP Exome Variant Server 0.00015; 1000 Genomes Project 0.00020; 1000 Genomes Project 30x 0.00031.

Submissions (10):

Labcorp Genetics (formerly Invitae), Labcorp
Classification: Uncertain significance for Familial thoracic aortic aneurysm and aortic dissection. Last evaluated: 2025-10-11. Review status: criteria provided, single submitter. Criteria: Invitae Variant Classification Sherloc (09022015). Collection method: clinical testing. Allele origin: germline.
Comment: This sequence change replaces arginine, which is basic and polar, with histidine, which is basic and polar, at codon 224 of the TGFBR2 protein (p.Arg224His). This variant is present in population databases (rs112465572, gnomAD 0.03%). This variant has not been reported in the literature in individuals affected with TGFBR2-related conditions. ClinVar contains an entry for this variant (Variation ID: 629112). Invitae Evidence Modeling of protein sequence and biophysical properties (such as structural, functional, and spatial information, amino acid conservation, physicochemical variation, residue mobility, and thermodynamic stability) indicates that this missense variant is not expected to disrupt TGFBR2 protein function with a negative predictive value of 95%. In summary, the available evidence is currently insufficient to determine the role of this variant in disease. Therefore, it has been classified as a Variant of Uncertain Significance.

CeGaT Center for Human Genetics Tuebingen
Classification: Likely benign. Last evaluated: 2025-10-01. Review status: criteria provided, single submitter. Criteria: CeGaT Center For Human Genetics Tuebingen Variant Classification Criteria Version 2. Collection method: clinical testing. Allele origin: germline. Affected: yes. Observed: 1 variant allele.
Comment: TGFBR2: BP4

Ambry Genetics
Classification: Uncertain significance for Familial thoracic aortic aneurysm and aortic dissection. Last evaluated: 2025-09-17. Review status: criteria provided, single submitter. Criteria: Ambry Variant Classification Scheme 2023. Collection method: clinical testing. Allele origin: germline.
Comment: The p.R224H variant (also known as c.671G>A), located in coding exon 4 of the TGFBR2 gene, results from a G to A substitution at nucleotide position 671. The arginine at codon 224 is replaced by histidine, an amino acid with highly similar properties. This variant was previously reported in the SNPDatabase as rs112465572. Based on data from ExAC, the A allele has an overall frequency less than 0.01% (6/106094). Based on data from the NHLBI Exome Sequencing Project (ESP), the A allele has an overall frequency of approximately 0.02% (2/13006) total alleles studied and 0.02% (2/8600) European American alleles. Allele frequency data for this nucleotide position is not currently available from the 1000 Genomes Project. This amino acid position is not well conserved in available vertebrate species, and histidine is the reference amino acid in other vertebrate species. In addition, this alteration is predicted to be tolerated by in silico analysis. Since supporting evidence is limited at this time, the clinical significance of this alteration remains unclear.

ARUP Laboratories, Molecular Genetics and Genomics, ARUP Laboratories
Classification: Uncertain significance. Last evaluated: 2025-07-02. Review status: criteria provided, single submitter. Criteria: ARUP Molecular Germline Variant Investigation Process 2024. Collection method: clinical testing. Allele origin: germline.
Comment: The TGFBR2 c.671G>A; p.Arg224His variant (rs112465572, ClinVar Variation ID: 629112) is reported in the literature in one individual affected with arrhythmogenic cardiomyopathy who also carries a large deletion in DSP which likely explains the phenotype (Mates 2018). This variant is found in the general population with an allele frequency of 0.004% (12/282242 alleles) in the Genome Aggregation Database (v2.1.1). Computational analyses are uncertain whether this variant is neutral or deleterious (REVEL: 0.307). Due to limited information, the clinical significance of this variant is uncertain at this time. References: Mates J et al. Role of copy number variants in sudden cardiac death and related diseases: genetic analysis and translation into clinical practice. Eur J Hum Genet. 2018 Jul;26(7):1014-1025. PMID: 29511324.

All of Us Research Program, National Institutes of Health
Classification: Uncertain significance for Loeys-Dietz syndrome 2. Last evaluated: 2024-08-29. Review status: criteria provided, single submitter. Criteria: ACMG Guidelines, 2015. Collection method: clinical testing. Allele origin: germline. Inheritance: Autosomal dominant inheritance. Observed: 31 variant alleles, 31 heterozygotes.
Comment: This missense variant replaces arginine with histidine at codon 224 of the TGFBR2 protein. Computational prediction tools indicate that this variant has a neutral impact on protein structure and function. To our knowledge, functional studies have not been reported for this variant. This variant has been reported in one individual affected with arrhythmogenic cardiomyopathy who also carried a pathogenic copy number variant in the DSP gene that could explain the observed phenotype (PMID: 29511324). This variant has been identified in 12/282242 chromosomes in the general population by the Genome Aggregation Database (gnomAD). The available evidence is insufficient to determine the role of this variant in disease conclusively. Therefore, this variant is classified as a Variant of Uncertain Significance.

This study involves interpretation of variants in research participants for the purpose of population health screening. Participant phenotype was not available at the time of variant classification. Additional details can be found in publication PMID: 35346344, PMCID: PMC8962531

Color Diagnostics, LLC DBA Color Health
Classification: Uncertain significance for Familial thoracic aortic aneurysm and aortic dissection. Last evaluated: 2024-03-26. Review status: criteria provided, single submitter. Criteria: ACMG Guidelines, 2015. Collection method: clinical testing. Allele origin: germline.
Comment: This missense variant replaces arginine with histidine at codon 224 of the TGFBR2 protein. Computational prediction tools indicate that this variant has a neutral impact on protein structure and function. To our knowledge, functional studies have not been reported for this variant. This variant has been reported in one individual affected with arrhythmogenic cardiomyopathy who also carried a pathogenic copy number variant in the DSP gene that could explain the observed phenotype (PMID: 29511324). This variant has been identified in 12/282242 chromosomes in the general population by the Genome Aggregation Database (gnomAD). The available evidence is insufficient to determine the role of this variant in disease conclusively. Therefore, this variant is classified as a Variant of Uncertain Significance.

Blueprint Genetics
Classification: Uncertain significance. Last evaluated: 2023-11-29. Review status: criteria provided, single submitter. Criteria: ACMG Guidelines, 2015. Collection method: clinical testing. Allele origin: germline.

GeneDx
Classification: Uncertain significance. Last evaluated: 2023-05-03. Review status: criteria provided, single submitter. Criteria: GeneDx Variant Classification Process June 2021. Collection method: clinical testing. Allele origin: germline. Affected: yes.
Comment: Has not been previously published as pathogenic or benign to our knowledge; In silico analysis supports that this missense variant does not alter protein structure/function

Institute for Clinical Genetics, University Hospital TU Dresden, University Hospital TU Dresden
Classification: Uncertain significance. Last evaluated: 2023-04-19. Review status: criteria provided, single submitter. Criteria: ACMG Guidelines, 2015. Collection method: clinical testing. Allele origin: germline.
Comment: PM2_SUP

CHEO Genetics Diagnostic Laboratory, Children's Hospital of Eastern Ontario
Classification: Uncertain significance for Familial thoracic aortic aneurysm and aortic dissection. Last evaluated: 2021-11-23. Review status: criteria provided, single submitter. Criteria: ACMG Guidelines, 2015. Collection method: clinical testing. Allele origin: germline.

Literature cited by the submitters: PubMed 29511324 (cited by All of Us Research Program, National Institutes of Health and Color Diagnostics, LLC DBA Color Health).

NM_003242.6(TGFBR2):c.671G>A (p.Arg224His)

Gene: TGFBR2 (transforming growth factor beta receptor 2; plus strand). Cytogenetic location: 3p24.1.
Variant type: single nucleotide variant.
Coding change: c.671G>A on transcript NM_003242.6 (MANE Select); coding-DNA position 671, G replaced by A.
Protein change: p.Arg224His; replaces arginine 224 with histidine.
Molecular consequence: missense variant.
Genome position (GRCh38, 1-based): chr3:30,671,854, G>A. VCF-style: chr3-30671854-G-A. GRCh37 (hg19) VCF-style: chr3-30713346-G-A.
Other names: c.746G>A, p.Arg249His (NM_001024847.3); c.854G>A, p.Arg285His (NM_001407126.1); c.779G>A, p.Arg260His (NM_001407127.1); c.698G>A, p.Arg233His (NM_001407128.1); c.674G>A, p.Arg225His (NM_001407129.1); c.671G>A, p.Arg224His (NM_001407130.1); c.566G>A, p.Arg189His (NM_001407132.1, NM_001407133.1, NM_001407134.1 and 2 more transcripts); c.386G>A, p.Arg129His (NM_001407137.1); and 1 more; short protein forms R249H, R224H, R104H, R225H, R233H, R189H, R129H, R260H.
Identifiers: ClinVar variation 629112 (VCV000629112.29), dbSNP rs112465572, ClinGen allele CA049628.